The following is an entry in ClinVar:

NM_020159.5(SMARCAD1):c.890-4A>G

Gene: SMARCAD1 (SNF2 related chromatin remodeling ATPase with DExD box 1; plus strand). Cytogenetic location: 4q22.3.
Variant type: single nucleotide variant.
Coding change: c.890-4A>G on transcript NM_020159.5 (MANE Select); 4 bases into the intron before coding-DNA position 890, A replaced by G.
Molecular consequence: intron variant.
Genome position (GRCh38, 1-based): chr4:94,252,612, A>G. VCF-style: chr4-94252612-A-G. GRCh37 (hg19) VCF-style: chr4-95173763-A-G.
Other names: c.890-4A>G (NM_001128430.2, NM_001375855.1, NM_001375858.1 and 3 more transcripts); c.887-4A>G (NM_001375857.1).
Identifiers: ClinVar variation 3910418 (VCV003910418.2).
Genomic context (GRCh38, chr4:94,252,612, plus strand): 5'-TTGAAGTCTATCTTTATATTTATGTATTTCTAATTTAGTTACTGTTTTTGTCTTTTATAT[A>G]CAGATATGCAATATGTATCACAAAGTGAGGTTCCAAATGGAAAAGAAGTTTCTTCAAGAA-3'

ClinVar aggregate classification (germline): Likely benign. Review status: criteria provided, multiple submitters, no conflicts (2 of 4 stars). 2 submissions from 2 submitters: Likely benign (2). Last evaluated 2025-10-12.

Conditions:
SMARCAD1-related disorder. Also called: SMARCAD1-related condition.

gnomAD v4.1: 710 of 1,531,136 alleles (0.046%); highest among the groups gnomAD compares: Admixed American, 0.073%; 3 homozygotes.

Submissions (2):

PreventionGenetics, part of Exact Sciences
Classification: Likely benign for SMARCAD1-related condition. Last evaluated: 2025-10-12. Review status: criteria provided, single submitter. Criteria: ACMG Guidelines, 2015. Collection method: clinical testing. Allele origin: germline.
Comment: This variant is classified as likely benign based on ACMG/AMP sequence variant interpretation guidelines (Richards et al. 2015 PMID: 25741868, with internal and published modifications).

Laboratory of Genetics, Children's Clinical University Hospital Latvia
Classification: Likely benign. Last evaluated: 2025-02-16. Review status: criteria provided, single submitter. Criteria: ACMG Guidelines, 2015. Collection method: clinical testing. Allele origin: germline. Affected: yes.